The following is an entry in ClinVar:

NM_000465.4(BARD1):c.1084T>A (p.Cys362Ser)

Gene: BARD1 (BRCA1 associated RING domain 1; minus strand). Cytogenetic location: 2q35.
Variant type: single nucleotide variant.
Coding change: c.1084T>A on transcript NM_000465.4 (MANE Select); coding-DNA position 1084, T replaced by A.
Protein change: p.Cys362Ser; replaces cysteine 362 with serine.
Molecular consequence: missense variant. On other transcripts: non-coding transcript variant (2), intron variant (3).
Genome position (GRCh38, 1-based): chr2:214,780,790, A>T on the plus strand (T>A on the coding strand, the complement: BARD1 is on the minus strand). VCF-style: chr2-214780790-A-T. GRCh37 (hg19) VCF-style: chr2-215645514-A-T.
Other names: c.1027T>A, p.Cys343Ser (NM_001282543.2); c.159-28235T>A (NM_001282548.2); c.215+16271T>A (NM_001282545.2); c.364+11507T>A (NM_001282549.2); short protein forms C362S, C343S.
Identifiers: ClinVar variation 647048 (VCV000647048.2), dbSNP rs141351035, ClinGen allele CA350454090.

ClinVar aggregate classification (germline): Uncertain significance (1 of 4 stars; one submission).

Conditions:
Familial cancer of breast. Also called: hereditary breast carcinoma; Hereditary breast cancer; BREAST CANCER, FAMILIAL. Identifiers: Orphanet 227535, MedGen C0346153, MONDO:0016419, OMIM 114480. Disease mechanism: loss of function.

Submission:

Labcorp Genetics (formerly Invitae), Labcorp
Classification: Uncertain significance for Hereditary Breast Carcinoma. Last evaluated: 2018-07-09. Review status: criteria provided, single submitter. Criteria: Invitae Variant Classification Sherloc (09022015). Collection method: clinical testing. Allele origin: germline.
Comment: This sequence change replaces cysteine with serine at codon 362 of the BARD1 protein (p.Cys362Ser). The cysteine residue is moderately conserved and there is a moderate physicochemical difference between cysteine and serine. This variant is not present in population databases (ExAC no frequency). This variant has not been reported in the literature in individuals with BARD1-related disease. Algorithms developed to predict the effect of missense changes on protein structure and function output the following: SIFT: "Tolerated"; PolyPhen-2: "Benign"; Align-GVGD: "Class C0". The serine amino acid residue is found in multiple mammalian species, suggesting that this missense change does not adversely affect protein function. These predictions have not been confirmed by published functional studies and their clinical significance is uncertain. Algorithms developed to predict the effect of sequence changes on RNA splicing suggest that this variant may create or strengthen a splice site, but this prediction has not been confirmed by published transcriptional studies. In summary, the available evidence is currently insufficient to determine the role of this variant in disease. Therefore, it has been classified as a Variant of Uncertain Significance.